The following is an entry in ClinVar:

NM_000233.4(LHCGR):c.1684A>G (p.Asn562Asp)

Genes: STON1-GTF2A1L (STON1-GTF2A1L readthrough; plus strand), LHCGR (luteinizing hormone/choriogonadotropin receptor; minus strand). Cytogenetic location: 2p16.3.
Variant type: single nucleotide variant.
Coding change: c.1684A>G on transcript NM_000233.4 (MANE Select); coding-DNA position 1684, A replaced by G.
Protein change: p.Asn562Asp; replaces asparagine 562 with aspartic acid.
Molecular consequence: missense variant. On other transcripts: intron variant (1).
Genome position (GRCh38, 1-based): chr2:48,688,113, T>C on the plus strand (A>G on the coding strand, the complement: LHCGR is on the minus strand). VCF-style: chr2-48688113-T-C. GRCh37 (hg19) VCF-style: chr2-48915252-T-C.
Other names: c.3441+16433T>C (NM_001198593.2); short protein forms N562D.
Identifiers: ClinVar variation 4740763 (VCV004740763.1).

ClinVar aggregate classification (germline): Uncertain significance (1 of 4 stars; one submission).

Submission:

Labcorp Genetics (formerly Invitae), Labcorp
Classification: Uncertain significance. Last evaluated: 2026-01-14. Review status: criteria provided, single submitter. Criteria: Invitae Variant Classification Sherloc (09022015). Collection method: clinical testing. Allele origin: germline.
Comment: This sequence change replaces asparagine, which is neutral and polar, with aspartic acid, which is acidic and polar, at codon 562 of the LHCGR protein (p.Asn562Asp). This variant is not present in population databases (gnomAD no frequency). This variant has not been reported in the literature in individuals affected with LHCGR-related conditions. Invitae Evidence Modeling of protein sequence and biophysical properties (such as structural, functional, and spatial information, amino acid conservation, physicochemical variation, residue mobility, and thermodynamic stability) indicates that this missense variant is not expected to disrupt LHCGR protein function with a negative predictive value of 80%. In summary, the available evidence is currently insufficient to determine the role of this variant in disease. Therefore, it has been classified as a Variant of Uncertain Significance.